The following is an entry in ClinVar:

NM_006231.4(POLE):c.23G>A (p.Arg8Gln)

Genes: POLE (DNA polymerase epsilon, catalytic subunit; minus strand), LOC130009266 (ATAC-STARR-seq lymphoblastoid silent region 5123; plus strand). Cytogenetic location: 12q24.33.
Variant type: single nucleotide variant.
Coding change: c.23G>A on transcript NM_006231.4 (MANE Select); coding-DNA position 23, G replaced by A.
Protein change: p.Arg8Gln; replaces arginine 8 with glutamine.
Molecular consequence: missense variant.
Genome position (GRCh38, 1-based): chr12:132,687,293, C>T on the plus strand (G>A on the coding strand, the complement: POLE is on the minus strand). VCF-style: chr12-132687293-C-T. GRCh37 (hg19) VCF-style: chr12-133263879-C-T.
Other names: c.23G>A (NM_006231.2); short protein forms R8Q.
Identifiers: ClinVar variation 1052222 (VCV001052222.10), dbSNP rs2136052243, ClinGen allele CA387373474.

ClinVar aggregate classification (germline): Uncertain significance. Review status: criteria provided, multiple submitters, no conflicts (2 of 4 stars). 2 submissions from 2 submitters: Uncertain significance (2). Last evaluated 2025-01-29.

Conditions:
Hereditary cancer-predisposing syndrome. Also called: Tumor predisposition; Hereditary neoplastic syndrome; Hereditary Cancer Syndrome; Neoplastic Syndromes, Hereditary. Identifiers: Orphanet 140162, MedGen C0027672, MeSH D009386, MONDO:0015356.

gnomAD v4.1: 2 of 1,504,500 alleles (0.00013%); highest among the groups gnomAD compares: Non-Finnish European, 0.00018%; no homozygotes.

Submissions (2):

Ambry Genetics
Classification: Uncertain significance for Hereditary cancer-predisposing syndrome. Last evaluated: 2025-01-29. Review status: criteria provided, single submitter. Criteria: Ambry Variant Classification Scheme 2023. Collection method: clinical testing. Allele origin: germline.
Comment: The p.R8Q variant (also known as c.23G>A), located in coding exon 1 of the POLE gene, results from a G to A substitution at nucleotide position 23. The arginine at codon 8 is replaced by glutamine, an amino acid with highly similar properties. This amino acid position is well conserved in available vertebrate species. In addition, this alteration is predicted to be tolerated by in silico analysis. Based on the available evidence, the clinical significance of this variant remains unclear.

Labcorp Genetics (formerly Invitae), Labcorp
Classification: Uncertain significance. Last evaluated: 2023-07-26. Review status: criteria provided, single submitter. Criteria: Invitae Variant Classification Sherloc (09022015). Collection method: clinical testing. Allele origin: germline.
Comment: ClinVar contains an entry for this variant (Variation ID: 1052222). This variant has not been reported in the literature in individuals affected with POLE-related conditions. This variant is not present in population databases (gnomAD no frequency). This sequence change replaces arginine, which is basic and polar, with glutamine, which is neutral and polar, at codon 8 of the POLE protein (p.Arg8Gln). Experimental studies and prediction algorithms are not available or were not evaluated, and the functional significance of this variant is currently unknown. In summary, the available evidence is currently insufficient to determine the role of this variant in disease. Therefore, it has been classified as a Variant of Uncertain Significance.